The following is an entry in ClinVar:

NM_021072.4(HCN1):c.289C>A (p.Gln97Lys)

Gene: HCN1 (hyperpolarization activated cyclic nucleotide gated potassium channel 1; minus strand). Cytogenetic location: 5p12.
Variant type: single nucleotide variant.
Coding change: c.289C>A on transcript NM_021072.4 (MANE Select); coding-DNA position 289, C replaced by A.
Protein change: p.Gln97Lys; replaces glutamine 97 with lysine.
Molecular consequence: missense variant.
Genome position (GRCh38, 1-based): chr5:45,695,805, G>T on the plus strand (C>A on the coding strand, the complement: HCN1 is on the minus strand). VCF-style: chr5-45695805-G-T. GRCh37 (hg19) VCF-style: chr5-45695907-G-T.
Other names: short protein forms Q97K.
Identifiers: ClinVar variation 1878888 (VCV001878888.1), dbSNP rs2478643901, ClinGen allele CA359706352.
Genomic context (GRCh38, chr5:45,695,805, plus strand): 5'-GGCTCCCAAACATGCGGAGGGAGAATTTGTTGACCCCGGGCTGCAGCATGGAGGTGAACT[G>T]CCTCTGCATGAAGCCGTACTGCCGCCGGGGCCCCTCGGCGTCTTCGAAGCCCCCCGCCGG-3'
Protein context (NP_066550.2, residues 87-107): PRRQYGFMQR[Gln97Lys]FTSMLQPGVN

ClinVar aggregate classification (germline): Uncertain significance (1 of 4 stars; one submission).

Submission:

GeneDx
Classification: Uncertain significance. Last evaluated: 2022-07-15. Review status: criteria provided, single submitter. Criteria: GeneDx Variant Classification Process June 2021. Collection method: clinical testing. Allele origin: germline. Affected: yes.
Comment: Not observed at significant frequency in large population cohorts (gnomAD); In silico analysis supports that this missense variant has a deleterious effect on protein structure/function; Has not been previously published as pathogenic or benign to our knowledge